The following is an entry in ClinVar:

ClinVar aggregate classification (germline): Uncertain significance (1 of 4 stars; one submission).

Allele frequency attached by ClinVar (database versions not stated): ESP Exome Variant Server 0.00416.

Submission:

Laboratory for Molecular Medicine, Mass General Brigham Personalized Medicine
Classification: Uncertain significance. Last evaluated: 2016-03-28. Review status: criteria provided, single submitter. Criteria: LMM Criteria. Collection method: clinical testing. Allele origin: germline.
Comment: Variant identified in a genome or exome case(s) and assessed due to predicted null impact of the variant or pathogenic assertions in the literature or databases. Disclaimer: This variant has not undergone full assessment. The following are preliminary notes: Does not affect coding region of major transcript.

NM_001034853.2(RPGR):c.2956_2957insA (p.Gly986fs)

Gene: RPGR (retinitis pigmentosa GTPase regulator; minus strand). Cytogenetic location: Xp11.4.
Variant type: Insertion.
Coding change: c.2956_2957insA on transcript NM_001034853.2 (MANE Select); coding-DNA positions 2956 to 2957, A inserted.
Protein change: p.Gly986fs; shifts the reading frame from glycine 986.
Molecular consequence: frameshift variant. On other transcripts: intron variant (8).
Genome position: GRCh38 VCF-style: chrX-38286042-C-CT. GRCh37 (hg19) VCF-style: chrX-38145295-C-CT.
Other names: c.1569+4916_1569+4917insA (NM_001367249.1, NM_001367250.1); c.1902+1051_1902+1052insA (NM_001367245.1); c.1386+4916_1386+4917insA (NM_001367251.1); c.1719+1051_1719+1052insA (NM_001367246.1); c.1572+4916_1572+4917insA (NM_001367247.1); c.1905+1051_1905+1052insA (NM_000328.3); c.1602+4916_1602+4917insA (NM_001367248.1); short protein forms G986fs.
Identifiers: ClinVar variation 403393 (VCV000403393.4), dbSNP rs1060499896, ClinGen allele CA16609781.